The following is an entry in ClinVar:

NM_001845.6(COL4A1):c.4563C>T (p.Tyr1521=)

Gene: COL4A1 (collagen type IV alpha 1 chain; minus strand). Cytogenetic location: 13q34.
Variant type: single nucleotide variant.
Coding change: c.4563C>T on transcript NM_001845.6 (MANE Select); coding-DNA position 4563, C replaced by T.
Protein change: p.Tyr1521=; no amino-acid change (tyrosine 1521 retained).
Molecular consequence: synonymous variant.
Genome position (GRCh38, 1-based): chr13:110,161,269, G>A on the plus strand (C>T on the coding strand, the complement: COL4A1 is on the minus strand). VCF-style: chr13-110161269-G-A. GRCh37 (hg19) VCF-style: chr13-110813616-G-A.
Identifiers: ClinVar variation 4822692 (VCV004822692.4).

ClinVar aggregate classification (germline): Likely benign (1 of 4 stars; one submission).

Submission:

CeGaT Center for Human Genetics Tuebingen
Classification: Likely benign. Last evaluated: 2026-01-01. Review status: criteria provided, single submitter. Criteria: CeGaT Center For Human Genetics Tuebingen Variant Classification Criteria Version 2. Collection method: clinical testing. Allele origin: germline. Affected: yes. Observed: 1 variant allele.
Comment: COL4A1: PM2:Supporting, BP4, BP7